The following is an entry in ClinVar:

ClinVar aggregate classification (germline): Uncertain significance. Review status: criteria provided, multiple submitters, no conflicts (2 of 4 stars). 2 submissions from 2 submitters: Uncertain significance (2). Last evaluated 2025-12-22.

Conditions:
Hereditary cancer-predisposing syndrome. Also called: Neoplastic Syndromes, Hereditary; Tumor predisposition; Hereditary neoplastic syndrome; Hereditary Cancer Syndrome. Identifiers: Orphanet 140162, MedGen C0027672, MeSH D009386, MONDO:0015356.

Allele frequency attached by ClinVar (database versions not stated): gnomAD exomes below 0.00001; gnomAD 0.00002; TOPMed 0.00002.
gnomAD v4.1: 4 of 1,613,690 alleles (0.00025%); highest among the groups gnomAD compares: African/African-American, 0.0053%; no homozygotes.

Submissions (2):

Ambry Genetics
Classification: Uncertain significance for Hereditary cancer-predisposing syndrome. Last evaluated: 2025-12-22. Review status: criteria provided, single submitter. Criteria: Ambry Variant Classification Scheme 2023. Collection method: clinical testing. Allele origin: germline.
Comment: The p.Q876K variant (also known as c.2626C>A), located in coding exon 16 of the RAD50 gene, results from a C to A substitution at nucleotide position 2626. The glutamine at codon 876 is replaced by lysine, an amino acid with similar properties. This amino acid position is highly conserved in available vertebrate species. In addition, this alteration is predicted to be tolerated by in silico analysis. Since supporting evidence is limited at this time, the clinical significance of this alteration remains unclear.

Labcorp Genetics (formerly Invitae), Labcorp
Classification: Uncertain significance for Hereditary cancer-predisposing syndrome. Last evaluated: 2023-10-13. Review status: criteria provided, single submitter. Criteria: Invitae Variant Classification Sherloc (09022015). Collection method: clinical testing. Allele origin: germline.
Comment: This sequence change replaces glutamine, which is neutral and polar, with lysine, which is basic and polar, at codon 876 of the RAD50 protein (p.Gln876Lys). This variant is not present in population databases (gnomAD no frequency). This variant has not been reported in the literature in individuals affected with RAD50-related conditions. ClinVar contains an entry for this variant (Variation ID: 408353). Advanced modeling of protein sequence and biophysical properties (such as structural, functional, and spatial information, amino acid conservation, physicochemical variation, residue mobility, and thermodynamic stability) performed at Invitae indicates that this missense variant is not expected to disrupt RAD50 protein function. In summary, the available evidence is currently insufficient to determine the role of this variant in disease. Therefore, it has been classified as a Variant of Uncertain Significance.

NM_005732.4(RAD50):c.2626C>A (p.Gln876Lys)

Gene: RAD50 (RAD50 double strand break repair protein; plus strand). Cytogenetic location: 5q31.1.
Variant type: single nucleotide variant.
Coding change: c.2626C>A on transcript NM_005732.4 (MANE Select); coding-DNA position 2626, C replaced by A.
Protein change: p.Gln876Lys; replaces glutamine 876 with lysine.
Molecular consequence: missense variant.
Genome position (GRCh38, 1-based): chr5:132,604,907, C>A. VCF-style: chr5-132604907-C-A. GRCh37 (hg19) VCF-style: chr5-131940599-C-A.
Other names: short protein forms Q876K.
Identifiers: ClinVar variation 408353 (VCV000408353.19), dbSNP rs1060501939, ClinGen allele CA16611978.